The following is an entry in ClinVar:

NM_000080.4(CHRNE):c.1208G>A (p.Gly403Glu)

Genes: CHRNE (cholinergic receptor nicotinic epsilon subunit; minus strand), LOC130060040 (ATAC-STARR-seq lymphoblastoid silent region 8049; plus strand). Cytogenetic location: 17p13.2.
Variant type: single nucleotide variant.
Coding change: c.1208G>A on transcript NM_000080.4 (MANE Select); coding-DNA position 1208, G replaced by A.
Protein change: p.Gly403Glu; replaces glycine 403 with glutamic acid.
Molecular consequence: missense variant.
Genome position (GRCh38, 1-based): chr17:4,899,209, C>T on the plus strand (G>A on the coding strand, the complement: CHRNE is on the minus strand). VCF-style: chr17-4899209-C-T. GRCh37 (hg19) VCF-style: chr17-4802504-C-T.
Other names: short protein forms G403E.
Identifiers: ClinVar variation 1510196 (VCV001510196.8), dbSNP rs1310787375, ClinGen allele CA397300013.

ClinVar aggregate classification (germline): Uncertain significance (1 of 4 stars; one submission).

Conditions:
Congenital myasthenic syndrome 4A. Also called: CONGENITAL MYASTHENIC SYNDROME TYPE Ia1; Myasthenic syndrome, congenital, 4a, slow-channel; MYASTHENIC SYNDROME, CONGENITAL, 4A, SLOW-CHANNEL, AUTOSOMAL RECESSIVE. Identifiers: Orphanet 590, MedGen C4225413, MONDO:0011600, OMIM 605809.

Submission:

Labcorp Genetics (formerly Invitae), Labcorp
Classification: Uncertain significance for Congenital myasthenic syndrome 4A. Last evaluated: 2020-12-21. Review status: criteria provided, single submitter. Criteria: Invitae Variant Classification Sherloc (09022015). Collection method: clinical testing. Allele origin: germline.
Comment: This variant is not present in population databases (ExAC no frequency). In summary, the available evidence is currently insufficient to determine the role of this variant in disease. Therefore, it has been classified as a Variant of Uncertain Significance. Algorithms developed to predict the effect of missense changes on protein structure and function are either unavailable or do not agree on the potential impact of this missense change (SIFT: "Tolerated"; PolyPhen-2: "Possibly Damaging"; Align-GVGD: "Class C0"). This variant has not been reported in the literature in individuals with CHRNE-related conditions. This sequence change replaces glycine with glutamic acid at codon 403 of the CHRNE protein (p.Gly403Glu). The glycine residue is moderately conserved and there is a moderate physicochemical difference between glycine and glutamic acid.